The following is an entry in ClinVar:

NM_138425.4(C12orf57):c.279T>G (p.Pro93=)

Gene: C12orf57 (chromosome 12 open reading frame 57; plus strand). Cytogenetic location: 12p13.31.
Variant type: single nucleotide variant.
Coding change: c.279T>G on transcript NM_138425.4 (MANE Select); coding-DNA position 279, T replaced by G.
Protein change: p.Pro93=; no amino-acid change (proline 93 retained).
Molecular consequence: synonymous variant. On other transcripts: non-coding transcript variant (1).
Genome position (GRCh38, 1-based): chr12:6,945,820, T>G. VCF-style: chr12-6945820-T-G. GRCh37 (hg19) VCF-style: chr12-7054983-T-G.
Other names: c.279T>G, p.Pro93= (NM_001301834.1); c.240T>G, p.Pro80= (NM_001301836.2); c.192T>G, p.Pro64= (NM_001301837.2); c.174T>G, p.Pro58= (NM_001301838.2).
Identifiers: ClinVar variation 1879225 (VCV001879225.29), dbSNP rs2542678803, ClinGen allele CA478177481.

ClinVar aggregate classification (germline): Likely benign (1 of 4 stars; one submission).

Submission:

CeGaT Center for Human Genetics Tuebingen
Classification: Likely benign. Last evaluated: 2024-03-01. Review status: criteria provided, single submitter. Criteria: CeGaT Center For Human Genetics Tuebingen Variant Classification Criteria Version 2. Collection method: clinical testing. Allele origin: germline. Affected: yes. Observed: 4 variant alleles.
Comment: C12orf57: PM2:Supporting, BP4, BP7